The following is an entry in ClinVar:

ClinVar aggregate classification (germline): Likely benign (0 of 4 stars; one submission).

Conditions:
LAMA5-related disorder. Also called: LAMA5-related condition; LAMA5-Related Disorders.

gnomAD v4.1: 31 of 1,600,180 alleles (0.0019%); highest among the groups gnomAD compares: Admixed American, 0.0033%; no homozygotes.

Submission:

PreventionGenetics, part of Exact Sciences
Classification: Likely benign for LAMA5-related condition. Last evaluated: 2024-02-07. Review status: no assertion criteria provided. Collection method: clinical testing. Allele origin: germline.
Comment: This variant is classified as likely benign based on ACMG/AMP sequence variant interpretation guidelines (Richards et al. 2015 PMID: 25741868, with internal and published modifications).

NM_005560.6(LAMA5):c.651C>T (p.Thr217=)

Gene: LAMA5 (laminin subunit alpha 5; minus strand). Cytogenetic location: 20q13.33.
Variant type: single nucleotide variant.
Coding change: c.651C>T on transcript NM_005560.6 (MANE Select); coding-DNA position 651, C replaced by T.
Protein change: p.Thr217=; no amino-acid change (threonine 217 retained).
Molecular consequence: synonymous variant.
Genome position (GRCh38, 1-based): chr20:62,352,278, G>A on the plus strand (C>T on the coding strand, the complement: LAMA5 is on the minus strand). VCF-style: chr20-62352278-G-A. GRCh37 (hg19) VCF-style: chr20-60927334-G-A.
Identifiers: ClinVar variation 3351163 (VCV003351163.1).
Genomic context (GRCh38, chr20:62,352,278, plus strand): 5'-CCGCCCTGCCCCTCCCCGGCCCACCTCTCCGTTCTCCAGGGGCACGATGCGTGAGTACTC[G>A]GTGGTGCAGATGGCCGCGTCGTCCCGTGTGATGCGCTCCAGCGTCTGTGGCCCGAACCGC-3'
Protein context (NP_005551.3, residues 207-227): ITRDDAAICT[Thr217=]EYSRIVPLEN